The following is an entry in ClinVar:

NM_004341.5(CAD):c.4075-3C>T

Gene: CAD (carbamoyl-phosphate synthetase 2, aspartate transcarbamylase, and dihydroorotase; plus strand). Cytogenetic location: 2p23.3.
Variant type: single nucleotide variant.
Coding change: c.4075-3C>T on transcript NM_004341.5 (MANE Select); 3 bases into the intron before coding-DNA position 4075, C replaced by T.
Molecular consequence: intron variant.
Genome position (GRCh38, 1-based): chr2:27,236,281, C>T. VCF-style: chr2-27236281-C-T. GRCh37 (hg19) VCF-style: chr2-27459149-C-T.
Other names: c.3886-3C>T (NM_001306079.2).
Identifiers: ClinVar variation 1475020 (VCV001475020.3), dbSNP rs897522486, ClinGen allele CA44512489.

ClinVar aggregate classification (germline): Uncertain significance (1 of 4 stars; one submission).

Allele frequency attached by ClinVar (database versions not stated): gnomAD exomes 0.00001; gnomAD 0.00005 and 0.00006; TOPMed 0.00005.
gnomAD v4.1: 12 of 1,612,086 alleles (0.00074%); highest among the groups gnomAD compares: African/African-American, 0.016%; no homozygotes.

Submission:

Labcorp Genetics (formerly Invitae), Labcorp
Classification: Uncertain significance. Last evaluated: 2022-02-04. Review status: criteria provided, single submitter. Criteria: Invitae Variant Classification Sherloc (09022015). Collection method: clinical testing. Allele origin: germline.
Comment: This sequence change falls in intron 25 of the CAD gene. It does not directly change the encoded amino acid sequence of the CAD protein. It affects a nucleotide within the consensus splice site. This variant is present in population databases (no rsID available, gnomAD 0.05%). This variant has not been reported in the literature in individuals affected with CAD-related conditions. Variants that disrupt the consensus splice site are a relatively common cause of aberrant splicing (PMID: 17576681, 9536098). Algorithms developed to predict the effect of sequence changes on RNA splicing suggest that this variant may disrupt the consensus splice site. In summary, the available evidence is currently insufficient to determine the role of this variant in disease. Therefore, it has been classified as a Variant of Uncertain Significance.

Literature cited by the submitters: PubMed 17576681; PubMed 9536098.